The following is an entry in ClinVar:

ClinVar aggregate classification (germline): Uncertain significance (1 of 4 stars; one submission).

Conditions:
Primary ciliary dyskinesia 6. Also called: Primary Ciliary Dyskinesia 6: TXNDC3-Related Primary Ciliary Dyskinesia. Identifiers: Orphanet 244, MedGen C1970506, MONDO:0012571, OMIM 610852.

Submission:

Labcorp Genetics (formerly Invitae), Labcorp
Classification: Uncertain significance for Primary ciliary dyskinesia 6. Last evaluated: 2022-09-13. Review status: criteria provided, single submitter. Criteria: Invitae Variant Classification Sherloc (09022015). Collection method: clinical testing. Allele origin: germline.
Comment: This sequence change replaces alanine, which is neutral and non-polar, with proline, which is neutral and non-polar, at codon 568 of the NME8 protein (p.Ala568Pro). This variant is not present in population databases (gnomAD no frequency). This variant has not been reported in the literature in individuals affected with NME8-related conditions. Advanced modeling of protein sequence and biophysical properties (such as structural, functional, and spatial information, amino acid conservation, physicochemical variation, residue mobility, and thermodynamic stability) performed at Invitae indicates that this missense variant is not expected to disrupt NME8 protein function. In summary, the available evidence is currently insufficient to determine the role of this variant in disease. Therefore, it has been classified as a Variant of Uncertain Significance.

NM_016616.5(NME8):c.1702G>C (p.Ala568Pro)

Gene: NME8 (NME/NM23 family member 8; plus strand). Cytogenetic location: 7p14.1.
Variant type: single nucleotide variant.
Coding change: c.1702G>C on transcript NM_016616.5 (MANE Select); coding-DNA position 1702, G replaced by C.
Protein change: p.Ala568Pro; replaces alanine 568 with proline.
Molecular consequence: missense variant.
Genome position (GRCh38, 1-based): chr7:37,897,027, G>C. VCF-style: chr7-37897027-G-C. GRCh37 (hg19) VCF-style: chr7-37936629-G-C.
Other names: short protein forms A568P.
Identifiers: ClinVar variation 1718315 (VCV001718315.5), dbSNP rs1177405552, ClinGen allele CA367218079.